The following is an entry in ClinVar:

ClinVar aggregate classification (germline): Uncertain significance (1 of 4 stars; one submission).

Conditions:
POLD1-related polyposis and colorectal cancer syndrome (CRCS10). Also called: Colorectal cancer 10; COLORECTAL CANCER, SUSCEPTIBILITY TO, ON CHROMOSOME 19q; Colorectal cancer, susceptibility to, 10. Identifiers: Orphanet 220460, MedGen C2675481, MONDO:0012953, OMIM 612591.

Submission:

Labcorp Genetics (formerly Invitae), Labcorp
Classification: Uncertain significance for Colorectal cancer 10. Last evaluated: 2019-05-29. Review status: criteria provided, single submitter. Criteria: Invitae Variant Classification Sherloc (09022015). Collection method: clinical testing. Allele origin: germline.
Comment: This sequence change replaces lysine with arginine at codon 1083 of the POLD1 protein (p.Lys1083Arg). The lysine residue is moderately conserved and there is a small physicochemical difference between lysine and arginine. This variant is not present in population databases (ExAC no frequency). This variant has not been reported in the literature in individuals with POLD1-related conditions. Algorithms developed to predict the effect of missense changes on protein structure and function are either unavailable or do not agree on the potential impact of this missense change (SIFT: "Tolerated"; PolyPhen-2: "Probably Damaging"; Align-GVGD: "Class C0"). Algorithms developed to predict the effect of sequence changes on RNA splicing suggest that this variant may create or strengthen a splice site, but this prediction has not been confirmed by published transcriptional studies. In summary, the available evidence is currently insufficient to determine the role of this variant in disease. Therefore, it has been classified as a Variant of Uncertain Significance.

NM_002691.4(POLD1):c.3248A>G (p.Lys1083Arg)

Gene: POLD1 (DNA polymerase delta 1, catalytic subunit; plus strand). Cytogenetic location: 19q13.33.
Variant type: single nucleotide variant.
Coding change: c.3248A>G on transcript NM_002691.4 (MANE Select); coding-DNA position 3248, A replaced by G.
Protein change: p.Lys1083Arg; replaces lysine 1083 with arginine.
Molecular consequence: missense variant. On other transcripts: non-coding transcript variant (1).
Genome position (GRCh38, 1-based): chr19:50,417,871, A>G. VCF-style: chr19-50417871-A-G. GRCh37 (hg19) VCF-style: chr19-50921128-A-G.
Other names: c.3248A>G, p.Lys1083Arg (NM_001256849.1); c.3326A>G, p.Lys1109Arg (NM_001308632.1); short protein forms K1109R, K1083R.
Identifiers: ClinVar variation 947176 (VCV000947176.1), dbSNP rs2039393545, ClinGen allele CA406987760.